The following is an entry in ClinVar:

ClinVar aggregate classification (germline): Uncertain significance (1 of 4 stars; one submission).

Submission:

GeneDx
Classification: Uncertain significance. Last evaluated: 2024-11-30. Review status: criteria provided, single submitter. Criteria: GeneDx Variant Classification Process June 2021. Collection method: clinical testing. Allele origin: germline. Affected: yes.
Comment: Not observed at significant frequency in large population cohorts (gnomAD); In silico analysis indicates that this missense variant does not alter protein structure/function; Has not been previously published as pathogenic or benign to our knowledge

NM_001194.4(HCN2):c.245G>A (p.Cys82Tyr)

Gene: HCN2 (hyperpolarization activated cyclic nucleotide gated potassium and sodium channel 2; plus strand). Cytogenetic location: 19p13.3.
Variant type: single nucleotide variant.
Coding change: c.245G>A on transcript NM_001194.4 (MANE Select); coding-DNA position 245, G replaced by A.
Protein change: p.Cys82Tyr; replaces cysteine 82 with tyrosine.
Molecular consequence: missense variant.
Genome position (GRCh38, 1-based): chr19:590,190, G>A. VCF-style: chr19-590190-G-A. GRCh37 (hg19) VCF-style: chr19-590190-G-A.
Other names: short protein forms C82Y.
Identifiers: ClinVar variation 3900933 (VCV003900933.1).
Genomic context (GRCh38, chr19:590,190, plus strand): 5'-CCCCGGAGGCGGCGGATGAGGGCGGCCCGCGGGGCCGGCTCCGCAGCCGCGACAGCTCGT[G>A]CGGCCGCCCCGGCACCCCGGGCGCGGCGAGCACGGCCAAGGGCAGCCCGAACGGCGAGTG-3'
Protein context (NP_001185.3, residues 72-92): RGRLRSRDSS[Cys82Tyr]GRPGTPGAAS